The following is an entry in ClinVar:

ClinVar aggregate classification (germline): Benign. Review status: criteria provided, multiple submitters, no conflicts (2 of 4 stars). 2 submissions from 2 submitters: Benign (2). Last evaluated 2018-01-12.

Conditions:
Knobloch syndrome (KNO). Also called: RETINAL DETACHMENT AND OCCIPITAL ENCEPHALOCELE; Myopia retinal detachment encephalocele. Identifiers: Orphanet 1571, MedGen C1849409, MONDO:0800166.

Allele frequency attached by ClinVar (database versions not stated): gnomAD exomes 0.00759; gnomAD 0.03445 and 0.03626; TOPMed 0.03795; 1000 Genomes Project 0.03934; 1000 Genomes Project 30x 0.04232.
gnomAD v4.1: 8,058 of 523,560 alleles (1.5%); highest among the groups gnomAD compares: African/African-American, 12%; 391 homozygotes.

Submissions (2):

Illumina Laboratory Services, Illumina
Classification: Benign for Knobloch syndrome 1. Last evaluated: 2018-01-12. Review status: criteria provided, single submitter. Criteria: ICSL Variant Classification Criteria 13 December 2019. Collection method: clinical testing. Allele origin: germline.
Comment: This variant was observed in the ICSL laboratory as part of a predisposition screen in an ostensibly healthy population. It had not been previously curated by ICSL or reported in the Human Gene Mutation Database (HGMD: prior to June 1st, 2018), and was therefore a candidate for classification through an automated scoring system. Utilizing variant allele frequency, disease prevalence and penetrance estimates, and inheritance mode, an automated score was calculated to assess if this variant is too frequent to cause the disease. Based on the score and internal cut-off values, a variant classified as benign is not then subjected to further curation. The score for this variant resulted in a classification of benign for this disease.

Breakthrough Genomics
Classification: Benign. Review status: criteria provided, single submitter. Criteria: ACMG Guidelines, 2015. Collection method: not provided. Allele origin: germline. Inheritance: Autosomal recessive inheritance. Affected: yes.

NM_001379500.1(COL18A1):c.*277T>C

Genes: COL18A1 (collagen type XVIII alpha 1 chain; plus strand), SLC19A1 (solute carrier family 19 member 1; minus strand). Cytogenetic location: 21q22.3.
Variant type: single nucleotide variant.
Coding change: c.*277T>C on transcript NM_001379500.1 (MANE Select); 277 bases downstream of the stop codon, T replaced by C.
Molecular consequence: 3 prime UTR variant.
Genome position (GRCh38, 1-based): chr21:45,512,675, T>C. VCF-style: chr21-45512675-T-C. GRCh37 (hg19) VCF-style: chr21-46932589-T-C.
Other names: NM_130445.2:c.*277T>C; c.*2301A>G (NM_001205206.4, NM_001352511.3); c.*2983A>G (NM_001205207.3, NM_001352510.2, NM_001352512.2 and 1 more transcripts); c.*277T>C (NM_030582.4, NM_130444.3).
Identifiers: ClinVar variation 340279 (VCV000340279.6), dbSNP rs17004784, ClinGen allele CA10650659.